The following is an entry in ClinVar:

ClinVar aggregate classification (germline): Uncertain significance (1 of 4 stars; one submission).

Conditions:
Candidiasis, familial, 8 (CANDF8). Identifiers: Orphanet 1334, MedGen C3714992, MONDO:0014230, OMIM 615527.

gnomAD v4.1: 1 of 1,517,432 alleles (0.000066%); highest among the groups gnomAD compares: Non-Finnish European, 0.000088%; no homozygotes.

Submission:

Labcorp Genetics (formerly Invitae), Labcorp
Classification: Uncertain significance for Candidiasis, familial, 8. Last evaluated: 2023-10-03. Review status: criteria provided, single submitter. Criteria: Invitae Variant Classification Sherloc (09022015). Collection method: clinical testing. Allele origin: germline.
Comment: This sequence change replaces serine, which is neutral and polar, with cysteine, which is neutral and slightly polar, at codon 256 of the TRAF3IP2 protein (p.Ser256Cys). This variant is not present in population databases (gnomAD no frequency). This variant has not been reported in the literature in individuals affected with TRAF3IP2-related conditions. ClinVar contains an entry for this variant (Variation ID: 570535). Advanced modeling of protein sequence and biophysical properties (such as structural, functional, and spatial information, amino acid conservation, physicochemical variation, residue mobility, and thermodynamic stability) performed at Invitae indicates that this missense variant is not expected to disrupt TRAF3IP2 protein function. In summary, the available evidence is currently insufficient to determine the role of this variant in disease. Therefore, it has been classified as a Variant of Uncertain Significance.

NM_147686.4(TRAF3IP2):c.767C>G (p.Ser256Cys)

Genes: TRAF3IP2 (TRAF3 interacting protein 2; minus strand), TRAF3IP2-AS1 (TRAF3IP2 antisense RNA 1; plus strand), LOC114803478 (TRAF3IP2 eExon liver enhancer; plus strand). Cytogenetic location: 6q21.
Variant type: single nucleotide variant.
Coding change: c.767C>G on transcript NM_147686.4 (MANE Select); coding-DNA position 767, C replaced by G.
Protein change: p.Ser256Cys; replaces serine 256 with cysteine.
Molecular consequence: missense variant.
Genome position (GRCh38, 1-based): chr6:111,591,320, G>C on the plus strand (C>G on the coding strand, the complement: TRAF3IP2 is on the minus strand). VCF-style: chr6-111591320-G-C. GRCh37 (hg19) VCF-style: chr6-111912523-G-C.
Other names: c.767C>G, p.Ser256Cys (NM_001164281.3); c.794C>G, p.Ser265Cys (NM_147200.3); short protein forms S256C, S265C.
Identifiers: ClinVar variation 570535 (VCV000570535.8), dbSNP rs1562433128, ClinGen allele CA365365799.